The following is an entry in ClinVar:

NM_001385641.1(SAMD11):c.2441G>A (p.Gly814Asp)

Gene: SAMD11 (sterile alpha motif domain containing 11; plus strand). Cytogenetic location: 1p36.33.
Variant type: single nucleotide variant.
Coding change: c.2441G>A on transcript NM_001385641.1 (MANE Select); coding-DNA position 2441, G replaced by A.
Protein change: p.Gly814Asp; replaces glycine 814 with aspartic acid.
Molecular consequence: missense variant.
Genome position (GRCh38, 1-based): chr1:944,059, G>A. VCF-style: chr1-944059-G-A. GRCh37 (hg19) VCF-style: chr1-879439-G-A.
Other names: c.2444G>A, p.Gly815Asp (NM_001385640.1); c.1952G>A, p.Gly651Asp (NM_152486.4); short protein forms G651D, G814D, G815D.
Identifiers: ClinVar variation 850854 (VCV000850854.6), dbSNP rs150064100, ClinGen allele CA503415.
Genomic context (GRCh38, chr1:944,059, plus strand): 5'-AACTCGGCACAGGAGAGCAGCCCTTGTCCCCCACGACGGCCACGTCCCCCTATGGAGGGG[G>A]CCACGCCCTTGCCGGTCAAACTTCACCCAAGCAGGAGAATGGGACCTTGGCTCTACTTCC-3'
Protein context (NP_001372570.1, residues 804-824): PTTATSPYGG[Gly814Asp]HALAGQTSPK

ClinVar aggregate classification (germline): Uncertain significance. Review status: criteria provided, multiple submitters, no conflicts (2 of 4 stars). 2 submissions from 2 submitters: Uncertain significance (2). Last evaluated 2025-08-05.

Allele frequency attached by ClinVar (database versions not stated): TOPMed 0.00004; ESP Exome Variant Server 0.00008; 1000 Genomes Project 30x 0.00016.
gnomAD v4.1: 21 of 1,612,750 alleles (0.0013%); highest among the groups gnomAD compares: Admixed American, 0.015%; no homozygotes.

Submissions (2):

Ambry Genetics
Classification: Uncertain significance. Last evaluated: 2025-08-05. Review status: criteria provided, single submitter. Criteria: Ambry Variant Classification Scheme 2023. Collection method: clinical testing. Allele origin: germline.

Labcorp Genetics (formerly Invitae), Labcorp
Classification: Uncertain significance. Last evaluated: 2022-10-24. Review status: criteria provided, single submitter. Criteria: Invitae Variant Classification Sherloc (09022015). Collection method: clinical testing. Allele origin: germline.
Comment: This sequence change replaces glycine, which is neutral and non-polar, with aspartic acid, which is acidic and polar, at codon 651 of the SAMD11 protein (p.Gly651Asp). This variant is present in population databases (rs150064100, gnomAD 0.02%). This variant has not been reported in the literature in individuals affected with SAMD11-related conditions. ClinVar contains an entry for this variant (Variation ID: 850854). Algorithms developed to predict the effect of missense changes on protein structure and function (SIFT, PolyPhen-2, Align-GVGD) all suggest that this variant is likely to be tolerated. In summary, the available evidence is currently insufficient to determine the role of this variant in disease. Therefore, it has been classified as a Variant of Uncertain Significance.